The following is an entry in ClinVar:

NM_001048174.2(MUTYH):c.307T>A (p.Trp103Arg)

Gene: MUTYH (mutY DNA glycosylase; minus strand). Cytogenetic location: 1p34.1.
Variant type: single nucleotide variant.
Coding change: c.307T>A on transcript NM_001048174.2 (MANE Select); coding-DNA position 307, T replaced by A.
Protein change: p.Trp103Arg; replaces tryptophan 103 with arginine.
Molecular consequence: missense variant. On other transcripts: non-coding transcript variant (1), intron variant (2).
Genome position (GRCh38, 1-based): chr1:45,333,168, A>T on the plus strand (T>A on the coding strand, the complement: MUTYH is on the minus strand). VCF-style: chr1-45333168-A-T. GRCh37 (hg19) VCF-style: chr1-45798840-A-T.
Other names: p.W131R:TGG>AGG; c.307T>A, p.Trp103Arg (NM_001048171.2, NM_001048173.2, NM_001293195.2); c.310T>A, p.Trp104Arg (NM_001048172.2); c.391T>A, p.Trp131Arg (NM_001128425.2); c.352T>A, p.Trp118Arg (NM_001293190.2); c.340T>A, p.Trp114Arg (NM_001293191.2); c.31T>A, p.Trp11Arg (NM_001293192.2, NM_001293196.2); c.382T>A, p.Trp128Arg (NM_012222.3); and 1 more; short protein forms W131R, W104R, W114R, W118R, W128R, W103R, W11R.
Identifiers: ClinVar variation 182688 (VCV000182688.29), dbSNP rs730881832, ClinGen allele CA013507.

ClinVar aggregate classification (germline): Pathogenic/Likely pathogenic. Review status: criteria provided, multiple submitters, no conflicts (2 of 4 stars). 9 submissions from 9 submitters: Pathogenic (7); Likely pathogenic (2). Last evaluated 2025-08-25.

Conditions:
Familial adenomatous polyposis 2. Also called: FAP type 2; Adenomas, multiple colorectal; MUTYH Polyposis; MYH-associated polyposis; MUTYH-associated polyposis; MUTYH-related attenuated familial adenomatous polyposis. Identifiers: Orphanet 220460, Orphanet 247798, MedGen C3272841, MONDO:0012041, OMIM 608456.
Gastric cancer. Also called: Stomach cancer; Malignant tumor of stomach. Identifiers: MedGen C0024623, MeSH D013274, MONDO:0001056, OMIM 613659, HP:0012126.
Hereditary cancer-predisposing syndrome. Also called: Tumor predisposition; Neoplastic Syndromes, Hereditary; Hereditary Cancer Syndrome; Hereditary neoplastic syndrome. Identifiers: Orphanet 140162, MedGen C0027672, MeSH D009386, MONDO:0015356.

Allele frequency attached by ClinVar (database versions not stated): gnomAD exomes below 0.00001 and 0.00001; ExAC 0.00001; TOPMed 0.00001.
gnomAD v4.1: 13 of 1,614,168 alleles (0.00081%); highest among the groups gnomAD compares: Non-Finnish European, 0.0011%; no homozygotes.

Submissions (9):

Labcorp Genetics (formerly Invitae), Labcorp
Classification: Pathogenic for Familial adenomatous polyposis 2. Last evaluated: 2025-08-25. Review status: criteria provided, single submitter. Criteria: Invitae Variant Classification Sherloc (09022015). Collection method: clinical testing. Allele origin: germline.
Comment: This sequence change replaces tryptophan, which is neutral and slightly polar, with arginine, which is basic and polar, at codon 131 of the MUTYH protein (p.Trp131Arg). This variant is present in population databases (rs730881832, gnomAD 0.0009%). This missense change has been observed in individual(s) with colon cancer and MUTYH-associated polyposis (PMID: 12853198, 19032956, 19394335, 19732775, 25820570, 26681312; internal data). In at least one individual the data is consistent with being in trans (on the opposite chromosome) from a pathogenic variant. This variant is also known as Trp117Arg. ClinVar contains an entry for this variant (Variation ID: 182688). An algorithm developed to predict the effect of missense changes on protein structure and function (PolyPhen-2) suggests that this variant is likely to be disruptive. Experimental studies have shown that this missense change affects MUTYH function (PMID: 25820570). For these reasons, this variant has been classified as Pathogenic.

Color Diagnostics, LLC DBA Color Health
Classification: Pathogenic for Hereditary cancer-predisposing syndrome. Last evaluated: 2024-08-02. Review status: criteria provided, single submitter. Criteria: ACMG Guidelines, 2015. Collection method: clinical testing. Allele origin: germline.
Comment: This missense variant replaces tryptophan with arginine at codon 131 of the MUTYH protein. Computational prediction suggests that this variant may have deleterious impact on protein structure and function. A functional study has shown that the variant protein is severely defective in a complementation assay conducted in E. coli (PMID: 25820570). This variant has been reported in two individuals with biallelic mutations in MUTYH and affected with MUTYH-associated polyposis, with one individual carrying the pathogenic co-variant c.536A>G (PMID: 12853198, 19032956, 19394335, 19732775, 30604180). This variant has also been reported in an individual affected with colon cancer and polyps (PMID 26681312). This variant has been identified in 1/251412 chromosomes in the general population by the Genome Aggregation Database (gnomAD). Based on the available evidence, this variant is classified as Pathogenic.

Ambry Genetics
Classification: Pathogenic for Hereditary cancer-predisposing syndrome. Last evaluated: 2024-06-11. Review status: criteria provided, single submitter. Criteria: Ambry Variant Classification Scheme 2023. Collection method: clinical testing. Allele origin: germline.
Comment: The p.W131R pathogenic mutation (also known as c.391T>A) is located in coding exon 5 of the MUTYH gene. This alteration results from a T to A substitution at nucleotide position 391. The tryptophan at codon 131 is replaced by arginine, an amino acid with dissimilar properties. It was also detected in a patient diagnosed with colon cancer and colon polyps who underwent multi-gene panel testing (Susswein LR et al. Genet Med. 2016 Aug;18(8):823-32). Functional and structural assays demonstrated that this alteration is functionally defective and predicted to disrupt DNA-binding ability (David SS et al. Nature 2007 Jun;447(7147):941-50; Komine K et al. Hum Mutat. 2015 Jul;36(7):704-11). This alteration is also known as p.W117R in the published literature. This variant is considered to be rare based on population cohorts in the Genome Aggregation Database (gnomAD). This amino acid position is highly conserved in available vertebrate species. In addition, this alteration is predicted to be deleterious by in silico analysis. Based on the supporting evidence, this alteration is interpreted as a disease-causing mutation.

GeneDx
Classification: Pathogenic. Last evaluated: 2024-04-04. Review status: criteria provided, single submitter. Criteria: GeneDx Variant Classification Process June 2021. Collection method: clinical testing. Allele origin: germline. Affected: yes.
Comment: Published functional studies demonstrate a damaging effect based on results of a complementation assay in E. coli (PMID: 25820570); In silico analysis supports that this missense variant has a deleterious effect on protein structure/function; Not observed at significant frequency in large population cohorts (gnomAD); This variant is associated with the following publications: (PMID: 25525159, 19822006, 26681312, 19732775, 12853198, 19032956, 19394335, 19725997, 17581577, 30604180, 25820570)

AiLife Diagnostics
Classification: Likely pathogenic. Last evaluated: 2021-08-18. Review status: criteria provided, single submitter. Criteria: ACMG Guidelines, 2015. Collection method: clinical testing. Allele origin: germline. Affected: yes. Observed: 1 variant allele.

Department of Pathology and Laboratory Medicine, Sinai Health System
Classification: Likely pathogenic for Familial adenomatous polyposis 2; Gastric cancer. Last evaluated: 2021-08-11. Review status: criteria provided, single submitter. Criteria: ACMG Guidelines, 2015. Collection method: research. Allele origin: germline.

Baylor Genetics
Classification: Pathogenic for Familial adenomatous polyposis 2. Last evaluated: 2021-07-14. Review status: criteria provided, single submitter. Criteria: ACMG Guidelines, 2015. Collection method: clinical testing. Allele origin: unknown.

Women's Health and Genetics/Laboratory Corporation of America, LabCorp
Classification: Pathogenic for Familial adenomatous polyposis 2. Last evaluated: 2021-06-26. Review status: criteria provided, single submitter. Criteria: LabCorp Variant Classification Summary - May 2015. Collection method: clinical testing. Allele origin: germline.
Comment: Variant summary: MUTYH c.391T>A (p.Trp131Arg) results in a non-conservative amino acid change located in the HhH-GPD domain of the encoded protein sequence. Five of five in-silico tools predict a damaging effect of the variant on protein function. 3/4 computational tools predict no significant impact on normal splicing. However, these predictions have yet to be confirmed by functional studies. The variant allele was found at a frequency of 4e-06 in 251412 control chromosomes (gnomAD). c.391T>A has been reported in the literature in individuals affected with MUTYH-Associated Polyposis (e.g. Sampson_2003, Jones_2009, Susswein_2016, Sutcliffe_2019). These data indicate that the variant is likely to be associated with disease. A functional study, Komine_2015, found the variant to be defective in base excision repair in a MUTY-deficient E. coli complementation assay. Four ClinVar submitters (evaluation after 2014) cite the variant as pathogenic/likely pathogenic. Based on the evidence outlined above, the variant was classified as pathogenic.

Sema4
Classification: Pathogenic for Hereditary cancer-predisposing syndrome. Last evaluated: 2020-12-08. Review status: criteria provided, single submitter. Criteria: Sema4 Curation Guidelines. Collection method: curation. Allele origin: germline.
Comment: The MUTYH c.391T>A (p.W131R) variant has been reported in at least two individuals with adenomatous polyposis (PMID: 19732775, 30604180). At least one of the reported patients was presumed compound heterozygote with a second pathogenic variant (PMID: 19732775). Functional studies have shown that this variant alters the protein function (PMID: 25820570). This variant was observed in 1/113698 chromosomes in the Non-Finnish European (NFE) population, with no homozygotes, according to the Genome Aggregation Database (PMID: 27535533). Based on the current evidence available, this variant is interpreted as pathogenic.

Literature cited by the submitters: PubMed 12853198 (cited by 5 submitters); PubMed 19032956 (cited by 3 submitters); PubMed 19394335 (cited by 3 submitters); PubMed 19732775 (cited by 5 submitters); PubMed 25820570 (cited by 5 submitters); PubMed 26681312 (cited by 4 submitters); PubMed 30604180 (cited by 4 submitters); PubMed 17581577 (cited by Ambry Genetics); PubMed 25525159 (cited by AiLife Diagnostics).